The following is an entry in ClinVar:

ClinVar aggregate classification (germline): Uncertain significance. Review status: criteria provided, single submitter (1 of 4 stars). 2 submissions from 2 submitters: Uncertain significance (1). 1 of the submissions does not count toward it. Last evaluated 2025-02-11.

Conditions:
Myofibrillar myopathy 5. Also called: Filaminopathy (type); FILAMINOPATHY, AUTOSOMAL DOMINANT. Identifiers: Orphanet 171445, MedGen C1836050, MONDO:0012289, OMIM 609524.
Distal myopathy with posterior leg and anterior hand involvement. Also called: WILLIAMS DISTAL MYOPATHY. Identifiers: Orphanet 63273, MedGen C3279722, MONDO:0013550, OMIM 614065.
Hypertrophic cardiomyopathy 26. Also called: Cardiomyopathy, familial hypertrophic, 26. Identifiers: Orphanet 75249, MedGen C4310749, MONDO:0014883, OMIM 617047.
Cardiomyopathy, familial restrictive, 5 (RCM5). Identifiers: MedGen C4310748, MONDO:0800371.

Submissions (2):

Labcorp Genetics (formerly Invitae), Labcorp
Classification: Uncertain significance for Distal myopathy with posterior leg and anterior hand involvement; Myofibrillar myopathy 5; Hypertrophic cardiomyopathy 26. Last evaluated: 2025-02-11. Review status: criteria provided, single submitter. Criteria: Invitae Variant Classification Sherloc (09022015). Collection method: clinical testing. Allele origin: germline.
Comment: This sequence change replaces isoleucine, which is neutral and non-polar, with phenylalanine, which is neutral and non-polar, at codon 2160 of the FLNC protein (p.Ile2160Phe). This variant is not present in population databases (gnomAD no frequency). This missense change has been observed in individual(s) with restrictive cardiomyopathy (PMID: 26666891). It has also been observed to segregate with disease in related individuals. ClinVar contains an entry for this variant (Variation ID: 253127). Invitae Evidence Modeling of protein sequence and biophysical properties (such as structural, functional, and spatial information, amino acid conservation, physicochemical variation, residue mobility, and thermodynamic stability) has been performed for this missense variant. However, the output from this modeling did not meet the statistical confidence thresholds required to predict the impact of this variant on FLNC protein function. Experimental studies have shown that this missense change does not substantially affect FLNC function (PMID: 26666891). In summary, the available evidence is currently insufficient to determine the role of this variant in disease. Therefore, it has been classified as a Variant of Uncertain Significance.

OMIM
Classification: Pathogenic for CARDIOMYOPATHY, FAMILIAL RESTRICTIVE, 5. Last evaluated: 2016-07-21. Review status: no assertion criteria provided. Collection method: literature only. Allele origin: germline. Not counted in ClinVar's aggregate classification.

Literature cited by the submitters: PubMed 26666891 (cited by Labcorp Genetics (formerly Invitae), Labcorp and OMIM).

NM_001458.5(FLNC):c.6478A>T (p.Ile2160Phe)

Genes: FLNC-AS1 (FLNC antisense RNA 1; minus strand), FLNC (filamin C; plus strand). Cytogenetic location: 7q32.1.
Variant type: single nucleotide variant.
Coding change: c.6478A>T on transcript NM_001458.5 (MANE Select); coding-DNA position 6478, A replaced by T.
Protein change: p.Ile2160Phe; replaces isoleucine 2160 with phenylalanine.
Molecular consequence: missense variant.
Genome position (GRCh38, 1-based): chr7:128,853,831, A>T. VCF-style: chr7-128853831-A-T. GRCh37 (hg19) VCF-style: chr7-128493885-A-T.
Other names: c.6379A>T, p.Ile2127Phe (NM_001127487.2); short protein forms I2160F, I2127F.
Identifiers: ClinVar variation 253127 (VCV000253127.4), dbSNP rs879255640, ClinGen allele CA10586206.